The following is an entry in ClinVar:

NM_001754.5(RUNX1):c.1216del (p.Tyr406fs)

Gene: RUNX1 (RUNX family transcription factor 1; minus strand). Cytogenetic location: 21q22.12.
Variant type: Deletion.
Coding change: c.1216del on transcript NM_001754.5 (MANE Select); coding-DNA position 1216, one base deleted (T; older notation c.1216delT).
Protein change: p.Tyr406fs; shifts the reading frame from tyrosine 406.
Molecular consequence: frameshift variant.
Genome position (GRCh38, 1-based): chr21:34,792,362, A deleted on the plus strand (T on the coding strand, the reverse complement: RUNX1 is on the minus strand). VCF-style (leftmost placement, unchanged base first): chr21-34792361-TA-T. GRCh37 (hg19) VCF-style: chr21-36164658-TA-T.
Other names: NM_001754.5(RUNX1):c.1216del; p.Tyr406fs; c.1135del, p.Tyr379fs (NM_001001890.3); short protein forms Y379fs, Y406fs.
Identifiers: ClinVar variation 871175 (VCV000871175.43), dbSNP rs2056453972, ClinGen allele CA1139666838.

ClinVar aggregate classification (germline): Likely pathogenic. Review status: reviewed by expert panel (3 of 4 stars). 2 submissions from 2 submitters: Likely pathogenic (1). 1 of the submissions does not count toward it. Last evaluated 2026-10-02.

Conditions:
Hereditary thrombocytopenia and hematologic cancer predisposition syndrome. Identifiers: Orphanet 71290, MedGen CN281654, MONDO:0011071.

Submissions (2):

ClinGen Myeloid Malignancy Variant Curation Expert Panel
Classification: Likely pathogenic for Hereditary thrombocytopenia and hematologic cancer predisposition syndrome. Last evaluated: 2026-10-02. Review status: reviewed by expert panel. Criteria: ClinGen MyeloMalig ACMG Specifications V3.1. Collection method: curation. Allele origin: germline. Inheritance: Autosomal dominant inheritance.
Comment: NM_001754.5(RUNX1):c.1216del (p.Tyr406ThrfsTer?) is a frameshift variant which is not predicted to undergo NMD (PVS1_Strong). This variant is downstream of c.98 (PM5_Supporting) and is completely absent from all population databases with at least 20x coverage for RUNX1 (PM2_Supporting). This variant has been reported in one proband meeting at least one of the RUNX1-phenotypic criteria (PS4_ Supporting; PMID: 29722345). In summary, this variant meets criteria to be classified as likely pathogenic. ACMG/AMP criteria applied, as specified by the Myeloid Malignancy Variant Curation Expert Panel for RUNX1: PVS1_Strong, PM5_Supporting, PM2_Supporting, PS4_Supporting.

CeGaT Center for Human Genetics Tuebingen
Classification: Pathogenic. Last evaluated: 2018-10-01. Review status: criteria provided, single submitter. Criteria: CeGaT Center For Human Genetics Tuebingen Variant Classification Criteria Version 2. Collection method: clinical testing. Allele origin: germline. Affected: yes. Observed: 1 variant allele. Not counted in ClinVar's aggregate classification.